The following is an entry in ClinVar:

NM_001540.5(HSPB1):c.544C>A (p.Pro182Thr)

Gene: HSPB1 (heat shock protein family B (small) member 1; plus strand). Cytogenetic location: 7q11.23.
Variant type: single nucleotide variant.
Coding change: c.544C>A on transcript NM_001540.5 (MANE Select); coding-DNA position 544, C replaced by A.
Protein change: p.Pro182Thr; replaces proline 182 with threonine.
Molecular consequence: missense variant.
Genome position (GRCh38, 1-based): chr7:76,304,099, C>A. VCF-style: chr7-76304099-C-A. GRCh37 (hg19) VCF-style: chr7-75933416-C-A.
Other names: short protein forms P182T.
Identifiers: ClinVar variation 935149 (VCV000935149.9), dbSNP rs104894020, ClinGen allele CA367766362.

ClinVar aggregate classification (germline): Uncertain significance (1 of 4 stars; one submission).

Conditions:
Charcot-Marie-Tooth disease axonal type 2F (CMT2F). Also called: CHARCOT-MARIE-TOOTH DISEASE, NEURONAL, TYPE 2F; Charcot-Marie-Tooth Neuropathy Type 2F. Identifiers: Orphanet 99940, MedGen C1847823, MONDO:0011687, OMIM 606595.

Submission:

Labcorp Genetics (formerly Invitae), Labcorp
Classification: Uncertain significance for Charcot-Marie-Tooth disease axonal type 2F. Last evaluated: 2019-10-12. Review status: criteria provided, single submitter. Criteria: Invitae Variant Classification Sherloc (09022015). Collection method: clinical testing. Allele origin: germline.
Comment: This sequence change replaces proline with threonine at codon 182 of the HSPB1 protein (p.Pro182Thr). The proline residue is highly conserved and there is a small physicochemical difference between proline and threonine. This variant has not been reported in the literature in individuals with HSPB1-related conditions. This variant is not present in population databases (ExAC no frequency). This variant disrupts the p.Pro182 amino acid residue in HSPB1. Other variant(s) that disrupt this residue have been determined to be pathogenic (PMID: 18325928, 23728742, 21785432, 16155736, 27816334, 29381233). This suggests that this residue is clinically significant, and that variants that disrupt this residue are likely to be disease-causing. In summary, the available evidence is currently insufficient to determine the role of this variant in disease. Therefore, it has been classified as a Variant of Uncertain Significance. Algorithms developed to predict the effect of missense changes on protein structure and function are either unavailable or do not agree on the potential impact of this missense change (SIFT: "Deleterious"; PolyPhen-2: "Probably Damaging"; Align-GVGD: "Class C0").

Literature cited by the submitters: PubMed 18325928; PubMed 23728742; PubMed 21785432; PubMed 16155736; PubMed 27816334; PubMed 29381233.